The following is an entry in ClinVar:

ClinVar aggregate classification (germline): Uncertain significance. Review status: criteria provided, multiple submitters, no conflicts (2 of 4 stars). 2 submissions from 2 submitters: Uncertain significance (2). Last evaluated 2025-12-22.

Conditions:
RECQL4-related disorder. Also called: RECQL4-related condition; RECQL4-related disorders.
Baller-Gerold syndrome (BGS). Also called: CRANIOSYNOSTOSIS WITH RADIAL DEFECTS. Identifiers: Orphanet 1225, MedGen C0265308, MONDO:0009039, OMIM 218600.

Allele frequency attached by ClinVar (database versions not stated): ExAC 0.00003; gnomAD 0.00003 and 0.00004; gnomAD exomes 0.00004 and 0.00017; TOPMed 0.00005.

Submissions (2):

Labcorp Genetics (formerly Invitae), Labcorp
Classification: Uncertain significance for Baller-Gerold syndrome. Last evaluated: 2025-12-22. Review status: criteria provided, single submitter. Criteria: Invitae Variant Classification Sherloc (09022015). Collection method: clinical testing. Allele origin: germline.
Comment: This sequence change replaces methionine, which is neutral and non-polar, with threonine, which is neutral and polar, at codon 996 of the RECQL4 protein (p.Met996Thr). This variant is present in population databases (rs771326102, gnomAD 0.02%). This variant has not been reported in the literature in individuals affected with RECQL4-related conditions. ClinVar contains an entry for this variant (Variation ID: 406974). Invitae Evidence Modeling of protein sequence and biophysical properties (such as structural, functional, and spatial information, amino acid conservation, physicochemical variation, residue mobility, and thermodynamic stability) has been performed for this missense variant. However, the output from this modeling did not meet the statistical confidence thresholds required to predict the impact of this variant on RECQL4 protein function. In summary, the available evidence is currently insufficient to determine the role of this variant in disease. Therefore, it has been classified as a Variant of Uncertain Significance.

PreventionGenetics, part of Exact Sciences
Classification: Uncertain significance for RECQL4-related condition. Last evaluated: 2023-08-09. Review status: criteria provided, single submitter. Criteria: ACMG Guidelines, 2015. Collection method: clinical testing. Allele origin: germline.
Comment: The RECQL4 c.2987T>C variant is predicted to result in the amino acid substitution p.Met996Thr. To our knowledge, this variant has not been reported in the literature. This variant is reported in 0.015% of alleles in individuals of East Asian descent in gnomAD and is reported as a variant of uncertain significance in ClinVar. At this time, the clinical significance of this variant is uncertain due to the absence of conclusive functional and genetic evidence.

NM_004260.4(RECQL4):c.2987T>C (p.Met996Thr)

Gene: RECQL4 (RecQ like helicase 4; minus strand). Cytogenetic location: 8q24.3.
Variant type: single nucleotide variant.
Coding change: c.2987T>C on transcript NM_004260.4 (MANE Select); coding-DNA position 2987, T replaced by C.
Protein change: p.Met996Thr; replaces methionine 996 with threonine.
Molecular consequence: missense variant.
Genome position (GRCh38, 1-based): chr8:144,512,460, A>G on the plus strand (T>C on the coding strand, the complement: RECQL4 is on the minus strand). VCF-style: chr8-144512460-A-G. GRCh37 (hg19) VCF-style: chr8-145737843-A-G.
Other names: short protein forms M996T.
Identifiers: ClinVar variation 406974 (VCV000406974.9), dbSNP rs771326102, ClinGen allele CA4947981.